The following is an entry in ClinVar:

NM_005228.5(EGFR):c.3162G>A (p.Gly1054=)

Gene: EGFR (epidermal growth factor receptor; plus strand). Cytogenetic location: 7p11.2.
Variant type: single nucleotide variant.
Coding change: c.3162G>A on transcript NM_005228.5 (MANE Select); coding-DNA position 3162, G replaced by A.
Protein change: p.Gly1054=; no amino-acid change (glycine 1054 retained).
Molecular consequence: synonymous variant.
Genome position (GRCh38, 1-based): chr7:55,201,782, G>A. VCF-style: chr7-55201782-G-A. GRCh37 (hg19) VCF-style: chr7-55269475-G-A.
Other names: c.3027G>A, p.Gly1009= (NM_001346897.2, NM_001346899.2); c.3162G>A, p.Gly1054= (NM_001346898.2); c.3003G>A, p.Gly1001= (NM_001346900.2); c.2361G>A, p.Gly787= (NM_001346941.2); c.3162G>A (NM_005228.3).
Identifiers: ClinVar variation 1351241 (VCV001351241.7), dbSNP rs987532315, ClinGen allele CA158938190.
Genomic context (GRCh38, chr7:55,201,782, plus strand): 5'-GTTTCTTTTTCAGAGTGCAACCAGCAACAATTCCACCGTGGCTTGCATTGATAGAAATGG[G>A]GTATGTATGAACACCTTATAAGCCAGAATTTACAGCTCTCCACTATGGCTCTATTTTACA-3'
Protein context (NP_005219.2, residues 1044-1064): NSTVACIDRN[Gly1054=]LQSCPIKEDS

ClinVar aggregate classification (germline): Uncertain significance. Review status: criteria provided, multiple submitters, no conflicts (2 of 4 stars). 2 submissions from 2 submitters: Uncertain significance (2). Last evaluated 2025-10-14.

Conditions:
Hereditary cancer-predisposing syndrome. Also called: Neoplastic Syndromes, Hereditary; Tumor predisposition; Hereditary neoplastic syndrome; Hereditary Cancer Syndrome. Identifiers: Orphanet 140162, MedGen C0027672, MeSH D009386, MONDO:0015356.
EGFR-related lung cancer (EGFR). Identifiers: MedGen CN130014.

Allele frequency attached by ClinVar (database versions not stated): gnomAD exomes below 0.00001; TOPMed below 0.00001.
gnomAD v4.1: 2 of 1,614,106 alleles (0.00012%); highest among the groups gnomAD compares: African/African-American, 0.0027%; no homozygotes.

Submissions (2):

Ambry Genetics
Classification: Uncertain significance for Hereditary cancer-predisposing syndrome. Last evaluated: 2025-10-14. Review status: criteria provided, single submitter. Criteria: Ambry Variant Classification Scheme 2023. Collection method: clinical testing. Allele origin: germline.
Comment: The c.3162G>A variant (also known as p.G1054G), located in coding exon 26 of the EGFR gene, results from a G to A substitution at nucleotide position 3162. This nucleotide substitution does not change the glycine at codon 1054. However, this change occurs in the last base pair of coding exon 26, which makes it likely to have some effect on normal mRNA splicing. This nucleotide position is highly conserved in available vertebrate species. In silico splice site analysis predicts that this alteration may weaken the native splice donor site. Based on the available evidence, the clinical significance of this variant remains unclear.

Labcorp Genetics (formerly Invitae), Labcorp
Classification: Uncertain significance for EGFR-related lung cancer. Last evaluated: 2025-01-27. Review status: criteria provided, single submitter. Criteria: Invitae Variant Classification Sherloc (09022015). Collection method: clinical testing. Allele origin: germline.
Comment: This sequence change affects codon 1054 of the EGFR mRNA. It is a 'silent' change, meaning that it does not change the encoded amino acid sequence of the EGFR protein. This variant also falls at the last nucleotide of exon 26, which is part of the consensus splice site for this exon. This variant is present in population databases (no rsID available, gnomAD 0.007%). This variant has not been reported in the literature in individuals affected with EGFR-related conditions. ClinVar contains an entry for this variant (Variation ID: 1351241). Variants that disrupt the consensus splice site are a relatively common cause of aberrant splicing (PMID: 17576681, 9536098). Algorithms developed to predict the effect of sequence changes on RNA splicing suggest that this variant may disrupt the consensus splice site. In summary, the available evidence is currently insufficient to determine the role of this variant in disease. Therefore, it has been classified as a Variant of Uncertain Significance.

Literature cited by the submitters: PubMed 17576681 (cited by Labcorp Genetics (formerly Invitae), Labcorp); PubMed 9536098 (cited by Labcorp Genetics (formerly Invitae), Labcorp).